The following is an entry in ClinVar:

NM_000452.3(SLC10A2):c.815C>T (p.Thr272Ile)

Gene: SLC10A2 (solute carrier family 10 member 2; minus strand). Cytogenetic location: 13q33.1.
Variant type: single nucleotide variant.
Coding change: c.815C>T on transcript NM_000452.3 (MANE Select); coding-DNA position 815, C replaced by T.
Protein change: p.Thr272Ile; replaces threonine 272 with isoleucine.
Molecular consequence: missense variant.
Genome position (GRCh38, 1-based): chr13:103,049,393, G>A on the plus strand (C>T on the coding strand, the complement: SLC10A2 is on the minus strand). VCF-style: chr13-103049393-G-A. GRCh37 (hg19) VCF-style: chr13-103701743-G-A.
Other names: short protein forms T272I.
Identifiers: ClinVar variation 2129236 (VCV002129236.4), dbSNP rs182021361, ClinGen allele CA255201828.
Genomic context (GRCh38, chr13:103,049,393, plus strand): 5'-ATGAGCGGGAAGGTGAATACGACATTGAGCTCCTCAGGAGTGAAGGAGAGCTGAACGATG[G>A]TGGAACATAGCTGCGTGTTCTGCATCCCCGTTTCAAAAGCAACCGTTCGGCACCTAAAGA-3'
Protein context (NP_000443.2, residues 262-282): TGMQNTQLCS[Thr272Ile]IVQLSFTPEE

ClinVar aggregate classification (germline): Uncertain significance (1 of 4 stars; one submission).

gnomAD v4.1: 29 of 1,613,930 alleles (0.0018%); highest among the groups gnomAD compares: African/African-American, 0.0027%; no homozygotes.

Submission:

Labcorp Genetics (formerly Invitae), Labcorp
Classification: Uncertain significance. Last evaluated: 2024-12-02. Review status: criteria provided, single submitter. Criteria: Invitae Variant Classification Sherloc (09022015). Collection method: clinical testing. Allele origin: germline.
Comment: This sequence change replaces threonine, which is neutral and polar, with isoleucine, which is neutral and non-polar, at codon 272 of the SLC10A2 protein (p.Thr272Ile). This variant is present in population databases (rs182021361, gnomAD 0.002%). This variant has not been reported in the literature in individuals affected with SLC10A2-related conditions. ClinVar contains an entry for this variant (Variation ID: 2129236). Invitae Evidence Modeling of protein sequence and biophysical properties (such as structural, functional, and spatial information, amino acid conservation, physicochemical variation, residue mobility, and thermodynamic stability) indicates that this missense variant is not expected to disrupt SLC10A2 protein function with a negative predictive value of 80%. In summary, the available evidence is currently insufficient to determine the role of this variant in disease. Therefore, it has been classified as a Variant of Uncertain Significance.